The following is an entry in ClinVar:

NM_000642.3(AGL):c.4462C>T (p.His1488Tyr)

Gene: AGL (amylo-alpha-1,6-glucosidase and 4-alpha-glucanotransferase; plus strand). Cytogenetic location: 1p21.2.
Variant type: single nucleotide variant.
Coding change: c.4462C>T on transcript NM_000642.3 (MANE Select); coding-DNA position 4462, C replaced by T.
Protein change: p.His1488Tyr; replaces histidine 1488 with tyrosine.
Molecular consequence: missense variant.
Genome position (GRCh38, 1-based): chr1:99,916,712, C>T. VCF-style: chr1-99916712-C-T. GRCh37 (hg19) VCF-style: chr1-100382268-C-T.
Other names: c.4261C>T, p.His1421Tyr (NM_001425327.1); c.4258C>T, p.His1420Tyr (NM_001425328.1); c.4123C>T, p.His1375Tyr (NM_001425329.1); c.4084C>T, p.His1362Tyr (NM_001425332.1); c.4462C>T, p.His1488Tyr (NM_000028.3, NM_000643.3, NM_000644.3 and 1 more transcripts); c.4414C>T, p.His1472Tyr (NM_000646.3); c.4441C>T, p.His1481Tyr (NM_001425326.1); short protein forms H1488Y, H1472Y, H1362Y, H1375Y, H1420Y, H1421Y, H1481Y.
Identifiers: ClinVar variation 578111 (VCV000578111.8), dbSNP rs374651629, ClinGen allele CA967446.

ClinVar aggregate classification (germline): Uncertain significance. Review status: criteria provided, multiple submitters, no conflicts (2 of 4 stars). 4 submissions from 4 submitters: Uncertain significance (3). 1 of the submissions does not count toward it. Last evaluated 2023-04-11.

Conditions:
Glycogen storage disease type III (GSD3). Also called: Cori disease; FORBES DISEASE. Identifiers: Orphanet 366, MedGen C0017922, MONDO:0009291, OMIM 232400.

Allele frequency attached by ClinVar (database versions not stated): gnomAD exomes below 0.00001 and 0.00003; ExAC 0.00004; gnomAD 0.00010 and 0.00011; TOPMed 0.00014; ESP Exome Variant Server 0.00023.
gnomAD v4.1: 22 of 1,613,032 alleles (0.0014%); highest among the groups gnomAD compares: African/African-American, 0.025%; no homozygotes.

Submissions (4):

Genome-Nilou Lab
Classification: Uncertain significance for Glycogen storage disease type III. Last evaluated: 2023-04-11. Review status: criteria provided, single submitter. Criteria: ACMG Guidelines, 2015. Collection method: clinical testing. Allele origin: germline. Affected: no.

Labcorp Genetics (formerly Invitae), Labcorp
Classification: Uncertain significance for Glycogen storage disease type III. Last evaluated: 2022-10-17. Review status: criteria provided, single submitter. Criteria: Invitae Variant Classification Sherloc (09022015). Collection method: clinical testing. Allele origin: germline.
Comment: This sequence change replaces histidine, which is basic and polar, with tyrosine, which is neutral and polar, at codon 1488 of the AGL protein (p.His1488Tyr). This variant is present in population databases (rs374651629, gnomAD 0.05%). This variant has not been reported in the literature in individuals affected with AGL-related conditions. ClinVar contains an entry for this variant (Variation ID: 578111). Advanced modeling of protein sequence and biophysical properties (such as structural, functional, and spatial information, amino acid conservation, physicochemical variation, residue mobility, and thermodynamic stability) performed at Invitae indicates that this missense variant is not expected to disrupt AGL protein function. In summary, the available evidence is currently insufficient to determine the role of this variant in disease. Therefore, it has been classified as a Variant of Uncertain Significance.

GeneDx
Classification: Uncertain significance. Last evaluated: 2022-09-26. Review status: criteria provided, single submitter. Criteria: GeneDx Variant Classification Process June 2021. Collection method: clinical testing. Allele origin: germline. Affected: yes.
Comment: In silico analysis supports that this missense variant has a deleterious effect on protein structure/function; Has not been previously published as pathogenic or benign to our knowledge

Natera, Inc.
Classification: Uncertain significance for Glycogen storage disease type III. Last evaluated: 2019-10-28. Review status: no assertion criteria provided. Collection method: clinical testing. Allele origin: germline. Not counted in ClinVar's aggregate classification.